The following is an entry in ClinVar:

ClinVar aggregate classification (germline): Uncertain significance. Review status: criteria provided, multiple submitters, no conflicts (2 of 4 stars). 3 submissions from 3 submitters: Uncertain significance (3). Last evaluated 2026-05-30.

Conditions:
Cardiovascular phenotype. Identifiers: MedGen CN230736.
Primary familial hypertrophic cardiomyopathy (HCM). Identifiers: Orphanet 99739, MedGen C0949658, MeSH D024741, MONDO:0024573. Inheritance: Various modes of inheritance.
Hypertrophic cardiomyopathy 25 (CMH25). Also called: CARDIOMYOPATHY, FAMILIAL HYPERTROPHIC, 25. Identifiers: MedGen C4225408, MONDO:0011843, OMIM 607487.

Allele frequency attached by ClinVar (database versions not stated): gnomAD 0.00001; gnomAD exomes below 0.00001; TOPMed below 0.00001.
gnomAD v4.1: 5 of 1,607,828 alleles (0.00031%); highest among the groups gnomAD compares: Non-Finnish European, 0.00042%; no homozygotes.

Submissions (3):

Women's Health and Genetics/Laboratory Corporation of America, LabCorp
Classification: Uncertain significance. Last evaluated: 2026-05-30. Review status: criteria provided, single submitter. Criteria: LabCorp Variant Classification Summary - May 2015. Collection method: clinical testing. Allele origin: germline.

Labcorp Genetics (formerly Invitae), Labcorp
Classification: Uncertain significance for Hypertrophic cardiomyopathy 25; Primary familial hypertrophic cardiomyopathy. Last evaluated: 2025-12-29. Review status: criteria provided, single submitter. Criteria: Invitae Variant Classification Sherloc (09022015). Collection method: clinical testing. Allele origin: germline.
Comment: This sequence change replaces proline, which is neutral and non-polar, with arginine, which is basic and polar, at codon 149 of the TCAP protein (p.Pro149Arg). This variant is present in population databases (no rsID available, gnomAD 0.002%). This variant has not been reported in the literature in individuals affected with TCAP-related conditions. ClinVar contains an entry for this variant (Variation ID: 1399236). An algorithm developed to predict the effect of missense changes on protein structure and function (PolyPhen-2) suggests that this variant is likely to be disruptive. In summary, the available evidence is currently insufficient to determine the role of this variant in disease. Therefore, it has been classified as a Variant of Uncertain Significance.

Ambry Genetics
Classification: Uncertain significance for Cardiovascular phenotype. Last evaluated: 2025-08-19. Review status: criteria provided, single submitter. Criteria: Ambry Variant Classification Scheme 2023. Collection method: clinical testing. Allele origin: germline.
Comment: The p.P149R variant (also known as c.446C>G), located in coding exon 2 of the TCAP gene, results from a C to G substitution at nucleotide position 446. The proline at codon 149 is replaced by arginine, an amino acid with dissimilar properties. This amino acid position is conserved. In addition, the in silico prediction for this alteration is inconclusive. Based on the available evidence, the clinical significance of this variant remains unclear.

NM_003673.4(TCAP):c.446C>G (p.Pro149Arg)

Gene: TCAP (titin-cap; plus strand). Cytogenetic location: 17q12.
Variant type: single nucleotide variant.
Coding change: c.446C>G on transcript NM_003673.4 (MANE Select); coding-DNA position 446, C replaced by G.
Protein change: p.Pro149Arg; replaces proline 149 with arginine.
Molecular consequence: missense variant.
Genome position (GRCh38, 1-based): chr17:39,666,051, C>G. VCF-style: chr17-39666051-C-G. GRCh37 (hg19) VCF-style: chr17-37822304-C-G.
Other names: c.446C>G (NM_003673.3); short protein forms P149R.
Identifiers: ClinVar variation 1399236 (VCV001399236.8), dbSNP rs1271647421, ClinGen allele CA399305949.